The following is an entry in ClinVar:

NM_019109.5(ALG1):c.1234G>A (p.Asp412Asn)

Gene: ALG1 (ALG1 chitobiosyldiphosphodolichol beta-mannosyltransferase; plus strand). Cytogenetic location: 16p13.3.
Variant type: single nucleotide variant.
Coding change: c.1234G>A on transcript NM_019109.5 (MANE Select); coding-DNA position 1234, G replaced by A.
Protein change: p.Asp412Asn; replaces aspartic acid 412 with asparagine.
Molecular consequence: missense variant.
Genome position (GRCh38, 1-based): chr16:5,083,728, G>A. VCF-style: chr16-5083728-G-A. GRCh37 (hg19) VCF-style: chr16-5133729-G-A.
Other names: c.901G>A, p.Asp301Asn (NM_001330504.2); short protein forms D412N, D301N.
Identifiers: ClinVar variation 1437797 (VCV001437797.7), dbSNP rs200353530, ClinGen allele CA7890283.

ClinVar aggregate classification (germline): Uncertain significance. Review status: criteria provided, multiple submitters, no conflicts (2 of 4 stars). 2 submissions from 2 submitters: Uncertain significance (2). Last evaluated 2023-12-26.

Conditions:
ALG1-congenital disorder of glycosylation. Also called: CONGENITAL DISORDER OF GLYCOSYLATION, TYPE Ik; CDG Ik; ALG1-CDG. Identifiers: Orphanet 79327, MedGen C2931005, MONDO:0012052, OMIM 608540.

Allele frequency attached by ClinVar (database versions not stated): gnomAD exomes 0.00001; ExAC 0.00002; TOPMed 0.00003; gnomAD 0.00004.

Submissions (2):

Fulgent Genetics
Classification: Uncertain significance for ALG1-congenital disorder of glycosylation. Last evaluated: 2023-12-26. Review status: criteria provided, single submitter. Criteria: ACMG Guidelines, 2015. Collection method: clinical testing. Allele origin: germline.

Labcorp Genetics (formerly Invitae), Labcorp
Classification: Uncertain significance for ALG1-congenital disorder of glycosylation. Last evaluated: 2021-09-24. Review status: criteria provided, single submitter. Criteria: Invitae Variant Classification Sherloc (09022015). Collection method: clinical testing. Allele origin: germline.
Comment: This sequence change replaces aspartic acid with asparagine at codon 412 of the ALG1 protein (p.Asp412Asn). The aspartic acid residue is highly conserved and there is a small physicochemical difference between aspartic acid and asparagine. The frequency data for this variant in the population databases is considered unreliable, as metrics indicate poor data quality at this position in the ExAC database. This variant has not been reported in the literature in individuals with ALG1-related conditions. Advanced modeling of protein sequence and biophysical properties (such as structural, functional, and spatial information, amino acid conservation, physicochemical variation, residue mobility, and thermodynamic stability) performed at Invitae indicates that this missense variant is not expected to disrupt ALG1 protein function. In summary, the available evidence is currently insufficient to determine the role of this variant in disease. Therefore, it has been classified as a Variant of Uncertain Significance.